The following is an entry in ClinVar:

NM_002303.6(LEPR):c.724G>A (p.Gly242Ser)

Gene: LEPR (leptin receptor; plus strand). Cytogenetic location: 1p31.3.
Variant type: single nucleotide variant.
Coding change: c.724G>A on transcript NM_002303.6 (MANE Select); coding-DNA position 724, G replaced by A.
Protein change: p.Gly242Ser; replaces glycine 242 with serine.
Molecular consequence: missense variant.
Genome position (GRCh38, 1-based): chr1:65,596,468, G>A. VCF-style: chr1-65596468-G-A. GRCh37 (hg19) VCF-style: chr1-66062151-G-A.
Other names: c.724G>A, p.Gly242Ser (NM_001003679.3, NM_001003680.3, NM_001198687.2 and 2 more transcripts); short protein forms G242S.
Identifiers: ClinVar variation 3345127 (VCV003345127.1).
Genomic context (GRCh38, chr1:65,596,468, plus strand): 5'-AATTACTTGACTTAAAAGTATTCTCTTTTTTTTCCTTAAGTGAAGCCTGATCCACCATTA[G>A]GTTTGCATATGGAAATCACAGATGATGGTAATTTAAAGATTTCTTGGTCCAGCCCACCAT-3'
Protein context (NP_002294.2, residues 232-252): INMVKPDPPL[Gly242Ser]LHMEITDDGN

ClinVar aggregate classification (germline): Uncertain significance (0 of 4 stars; one submission).

Conditions:
LEPR-related disorder. Also called: LEPR-related condition; LEPR-related disorders.

gnomAD v4.1: 1 of 1,612,552 alleles (0.000062%); highest among the groups gnomAD compares: Non-Finnish European, 0.000085%; no homozygotes.

Submission:

PreventionGenetics, part of Exact Sciences
Classification: Uncertain significance for LEPR-related condition. Last evaluated: 2024-07-05. Review status: no assertion criteria provided. Collection method: clinical testing. Allele origin: germline.
Comment: The LEPR c.724G>A variant is predicted to result in the amino acid substitution p.Gly242Ser. To our knowledge, this variant has not been reported in the literature or in a large population database, indicating this variant is rare. In vitro functional studies showed function similar to wild-type levels (Supplemental Data Set, Shah et al. 2023. PubMed ID: 36864747). At this time, the clinical significance of this variant is uncertain due to the absence of conclusive functional and genetic evidence.